The following is an entry in ClinVar:

NC_000005.9:g.(?_58334666)_(58334818_?)del

Gene: PDE4D (phosphodiesterase 4D; minus strand). Cytogenetic location: 5q11.2.
Variant type: Deletion.
Identifiers: ClinVar variation 3246466 (VCV003246466.1).

ClinVar aggregate classification (germline): Uncertain significance (1 of 4 stars; one submission).

Submission:

Labcorp Genetics (formerly Invitae), Labcorp
Classification: Uncertain significance. Last evaluated: 2023-11-19. Review status: criteria provided, single submitter. Criteria: Invitae Variant Classification Sherloc (09022015). Collection method: clinical testing. Allele origin: unknown.
Comment: This variant is a gross deletion of the genomic region encompassing exon(s) 6 of the PDE4D gene. This deletion is out-of-frame, and is expected to create a premature translational stop signal and result in an absent or disrupted protein product. However, the current clinical and genetic evidence is not sufficient to establish whether loss-of-function variants in PDE4D cause disease. This variant has not been reported in the literature in individuals affected with PDE4D-related conditions. In summary, the available evidence is currently insufficient to determine the role of this variant in disease. Therefore, it has been classified as a Variant of Uncertain Significance.